The following is an entry in ClinVar:

ClinVar aggregate classification (germline): Uncertain significance (1 of 4 stars; one submission).

Submission:

Quest Diagnostics Nichols Institute San Juan Capistrano
Classification: Uncertain significance. Last evaluated: 2023-08-29. Review status: criteria provided, single submitter. Criteria: Quest Diagnostics criteria. Collection method: clinical testing. Allele origin: unknown.
Comment: To the best of our knowledge, the HBA2 c.-70C>T variant has not been reported in the published literature. It also has not been reported in large, multi-ethnic general populations (Genome Aggregation Database). Based on the available information, we are unable to determine the clinical significance of this variant.

NM_000517.4(HBA2):c.-70C>T

Genes: HBA2 (hemoglobin subunit alpha 2; plus strand), LOC106804612 (hemoglobin subunit alpha 2 recombination region; plus strand). Cytogenetic location: 16p13.3.
Variant type: single nucleotide variant.
Coding change: c.-70C>T on transcript NM_000517.4; 70 bases upstream of the start codon, C replaced by T.
Genome position (GRCh38, 1-based): chr16:172,843, C>T. VCF-style: chr16-172843-C-T. GRCh37 (hg19) VCF-style: chr16-222842-C-T.
Identifiers: ClinVar variation 2681969 (VCV002681969.1), dbSNP rs2505429913, ClinGen allele CA2697549460.